The following is an entry in ClinVar:

NM_001184880.2(PCDH19):c.3118G>A (p.Asp1040Asn)

Gene: PCDH19 (protocadherin 19; minus strand). Cytogenetic location: Xq22.1.
Variant type: single nucleotide variant.
Coding change: c.3118G>A on transcript NM_001184880.2 (MANE Select); coding-DNA position 3118, G replaced by A.
Protein change: p.Asp1040Asn; replaces aspartic acid 1040 with asparagine.
Molecular consequence: missense variant.
Genome position (GRCh38, 1-based): chrX:100,296,606, C>T on the plus strand (G>A on the coding strand, the complement: PCDH19 is on the minus strand). VCF-style: chrX-100296606-C-T. GRCh37 (hg19) VCF-style: chrX-99551604-C-T.
Other names: c.2977G>A, p.Asp993Asn (NM_001105243.2); c.2974G>A, p.Asp992Asn (NM_020766.3); short protein forms D993N, D1040N, D992N.
Identifiers: ClinVar variation 2996132 (VCV002996132.3), dbSNP rs764683848, ClinGen allele CA10468671.
Genomic context (GRCh38, chrX:100,296,606, plus strand): 5'-CACAGCCATTGCCTGCCTCCCGGATAACGCTGTTGACCTTGGGGCTGCAGATGGTCACAT[C>T]GACAGTCCTCTTGCCTTTCAGGGTAGGCCTCTCCTCAGCCGGGTGGTCGCTGACATCTTT-3'
Protein context (NP_001171809.1, residues 1030-1050): RPTLKGKRTV[Asp1040Asn]VTICSPKVNS

ClinVar aggregate classification (germline): Uncertain significance (1 of 4 stars; one submission).

Conditions:
Developmental and epileptic encephalopathy, 9 (DEE9). Also called: Early infantile epileptic encephalopathy 9; EPILEPSY, FEMALE-RESTRICTED, WITH MENTAL RETARDATION; JUBERG-HELLMAN SYNDROME; PCDH19-Related X-Linked Female-Limited Epilepsy with Mental Retardation. Identifiers: Orphanet 101039, Orphanet 2076, MedGen C1848137, MONDO:0010246, OMIM 300088. Disease mechanism: loss of function.

Allele frequency attached by ClinVar (database versions not stated): ExAC 0.00001.
gnomAD v4.1: 5 of 1,211,534 alleles (0.00041%); highest among the groups gnomAD compares: East Asian, 0.003%; no homozygotes.

Submission:

Labcorp Genetics (formerly Invitae), Labcorp
Classification: Uncertain significance for Developmental and epileptic encephalopathy, 9. Last evaluated: 2023-03-11. Review status: criteria provided, single submitter. Criteria: Invitae Variant Classification Sherloc (09022015). Collection method: clinical testing. Allele origin: germline.
Comment: The frequency data for this variant in the population databases is considered unreliable, as metrics indicate poor data quality at this position in the gnomAD database. In summary, the available evidence is currently insufficient to determine the role of this variant in disease. Therefore, it has been classified as a Variant of Uncertain Significance. Advanced modeling of protein sequence and biophysical properties (such as structural, functional, and spatial information, amino acid conservation, physicochemical variation, residue mobility, and thermodynamic stability) performed at Invitae indicates that this missense variant is not expected to disrupt PCDH19 protein function. This variant has not been reported in the literature in individuals affected with PCDH19-related conditions. This sequence change replaces aspartic acid, which is acidic and polar, with asparagine, which is neutral and polar, at codon 1040 of the PCDH19 protein (p.Asp1040Asn).